The following is an entry in ClinVar:

NM_001364905.1(LRBA):c.8107_8110del (p.Ser2703fs)

Gene: LRBA (LPS responsive beige-like anchor protein; minus strand). Cytogenetic location: 4q31.3.
Variant type: Deletion.
Coding change: c.8107_8110del on transcript NM_001364905.1 (MANE Select); coding-DNA positions 8107 to 8110, 4 bases deleted (AGTG; older notation c.8107_8110delAGTG).
Protein change: p.Ser2703fs; shifts the reading frame from serine 2703.
Molecular consequence: frameshift variant.
Genome position (GRCh38, 1-based): chr4:150,285,942-150,285,945, CACT deleted on the plus strand (AGTG on the coding strand, the reverse complement: LRBA is on the minus strand); deleting any 4 consecutive bases within chr4:150,285,942-150,285,947 gives the same sequence; the c. name uses the placement nearest the transcript's 3' end. VCF-style (leftmost placement, unchanged base first): chr4-150285941-CCACT-C. GRCh37 (hg19) VCF-style: chr4-151207093-CCACT-C.
Other names: c.8102_8105delTGAG, p.Ser2702Valfs (NM_001199282.3); c.8122_8125del, p.Ser2708fs (NM_001367550.1); c.8138_8141delTGAG, p.Ser2714Valfs (NM_006726.5); short protein forms S2702fs, S2703fs, S2708fs, S2714fs.
Identifiers: ClinVar variation 2444132 (VCV002444132.1), dbSNP rs2545740842, ClinGen allele CA2580071616.

ClinVar aggregate classification (germline): Pathogenic (1 of 4 stars; one submission).

Conditions:
Combined immunodeficiency due to LRBA deficiency. Also called: Common variable immunodeficiency 8, with autoimmunity. Identifiers: Orphanet 445018, MedGen C3553512, MONDO:0013863, OMIM 614700.

Submission:

3billion
Classification: Pathogenic for Combined immunodeficiency due to LRBA deficiency. Last evaluated: 2023-02-23. Review status: criteria provided, single submitter. Criteria: ACMG Guidelines, 2015. Collection method: clinical testing. Allele origin: unknown. Affected: yes.
Comment: The variant is not observed in the gnomAD v2.1.1 dataset. This variant was predicted to result in a loss or disruption of normal protein function through nonsense-mediated decay (NMD) or protein truncation. Multiple pathogenic variants are reported downstream of the variant. Therefore, this variant is classified as Pathogenic according to the recommendation of ACMG/AMP guideline.